The following is an entry in ClinVar:

NM_001256545.2(MEGF10):c.1562G>A (p.Arg521His)

Gene: MEGF10 (multiple EGF like domains 10; plus strand). Cytogenetic location: 5q23.2.
Variant type: single nucleotide variant.
Coding change: c.1562G>A on transcript NM_001256545.2 (MANE Select); coding-DNA position 1562, G replaced by A.
Protein change: p.Arg521His; replaces arginine 521 with histidine.
Molecular consequence: missense variant.
Genome position (GRCh38, 1-based): chr5:127,420,179, G>A. VCF-style: chr5-127420179-G-A. GRCh37 (hg19) VCF-style: chr5-126755871-G-A.
Other names: c.1562G>A, p.Arg521His (NM_001308119.2, NM_001308121.2, NM_032446.3); short protein forms R521H.
Identifiers: ClinVar variation 1446952 (VCV001446952.8), dbSNP rs762636054, ClinGen allele CA3391610.
Genomic context (GRCh38, chr5:127,420,179, plus strand): 5'-GCCTCAACGGGGGAGCCTGCAACACCCTGGACGGGACCTGCACGTGTGCACCTGGATGGC[G>A]CGGGGAGAAATGCGAACTTCCCTGCCAGGTATGCACAAATCAGCGCCCTGACGGAAAACG-3'
Protein context (NP_001243474.1, residues 511-531): DGTCTCAPGW[Arg521His]GEKCELPCQD

ClinVar aggregate classification (germline): Uncertain significance (1 of 4 stars; one submission).

Conditions:
MEGF10-related myopathy (CMYO10A). Also called: Congenital myopathy 10A, severe variant. Identifiers: Orphanet 439212, MedGen C3280679, MONDO:0013731, OMIM 614399.

Allele frequency attached by ClinVar (database versions not stated): gnomAD exomes 0.00001; ExAC 0.00002; TOPMed 0.00003.
gnomAD v4.1: 8 of 1,614,034 alleles (0.0005%); highest among the groups gnomAD compares: African/African-American, 0.004%; no homozygotes.

Submission:

Labcorp Genetics (formerly Invitae), Labcorp
Classification: Uncertain significance for MEGF10-related myopathy. Last evaluated: 2022-02-05. Review status: criteria provided, single submitter. Criteria: Invitae Variant Classification Sherloc (09022015). Collection method: clinical testing. Allele origin: germline.
Comment: This sequence change replaces arginine, which is basic and polar, with histidine, which is basic and polar, at codon 521 of the MEGF10 protein (p.Arg521His). In summary, the available evidence is currently insufficient to determine the role of this variant in disease. Therefore, it has been classified as a Variant of Uncertain Significance. Algorithms developed to predict the effect of missense changes on protein structure and function output the following: SIFT: "Deleterious"; PolyPhen-2: "Benign"; Align-GVGD: "Class C25". The histidine amino acid residue is found in multiple mammalian species, which suggests that this missense change does not adversely affect protein function. This variant has not been reported in the literature in individuals affected with MEGF10-related conditions. This variant is present in population databases (rs762636054, gnomAD 0.01%).